The following is an entry in ClinVar:

NM_001184880.2(PCDH19):c.2825T>C (p.Met942Thr)

Gene: PCDH19 (protocadherin 19; minus strand). Cytogenetic location: Xq22.1.
Variant type: single nucleotide variant.
Coding change: c.2825T>C on transcript NM_001184880.2 (MANE Select); coding-DNA position 2825, T replaced by C.
Protein change: p.Met942Thr; replaces methionine 942 with threonine.
Molecular consequence: missense variant.
Genome position (GRCh38, 1-based): chrX:100,341,926, A>G on the plus strand (T>C on the coding strand, the complement: PCDH19 is on the minus strand). VCF-style: chrX-100341926-A-G. GRCh37 (hg19) VCF-style: chrX-99596924-A-G.
Other names: c.2684T>C, p.Met895Thr (NM_001105243.2); c.2681T>C, p.Met894Thr (NM_020766.3); short protein forms M895T, M894T, M942T.
Identifiers: ClinVar variation 2820312 (VCV002820312.3), dbSNP rs2520675106, ClinGen allele CA413999790.
Genomic context (GRCh38, chrX:100,341,926, plus strand): 5'-AGTCGATTGCTGCAACTTACATCCAACCAGTCCTTACCATGATCAGGCATCTGAGATCCC[A>G]TGGAGGTCACACTGGTGTTCAGCACATCGTTGACAGCAGTATCACAATACAGGCTCCGCT-3'
Protein context (NP_001171809.1, residues 932-952): NDVLNTSVTS[Met942Thr]GSQMPDHDQN

ClinVar aggregate classification (germline): Uncertain significance (1 of 4 stars; one submission).

Conditions:
Developmental and epileptic encephalopathy, 9 (DEE9). Also called: Early infantile epileptic encephalopathy 9; JUBERG-HELLMAN SYNDROME; EPILEPSY, FEMALE-RESTRICTED, WITH MENTAL RETARDATION; PCDH19-Related X-Linked Female-Limited Epilepsy with Mental Retardation. Identifiers: Orphanet 101039, Orphanet 2076, MedGen C1848137, MONDO:0010246, OMIM 300088. Disease mechanism: loss of function.

Submission:

Labcorp Genetics (formerly Invitae), Labcorp
Classification: Uncertain significance for Developmental and epileptic encephalopathy, 9. Last evaluated: 2023-07-02. Review status: criteria provided, single submitter. Criteria: Invitae Variant Classification Sherloc (09022015). Collection method: clinical testing. Allele origin: germline.
Comment: In summary, the available evidence is currently insufficient to determine the role of this variant in disease. Therefore, it has been classified as a Variant of Uncertain Significance. Advanced modeling of protein sequence and biophysical properties (such as structural, functional, and spatial information, amino acid conservation, physicochemical variation, residue mobility, and thermodynamic stability) performed at Invitae indicates that this missense variant is not expected to disrupt PCDH19 protein function. This variant has not been reported in the literature in individuals affected with PCDH19-related conditions. This variant is not present in population databases (gnomAD no frequency). This sequence change replaces methionine, which is neutral and non-polar, with threonine, which is neutral and polar, at codon 942 of the PCDH19 protein (p.Met942Thr).